The following is an entry in ClinVar:

ClinVar aggregate classification (germline): Benign. Review status: reviewed by expert panel (3 of 4 stars). 3 submissions from 3 submitters: Benign (1). 2 of the submissions do not count toward it. Last evaluated 2022-06-06.

Conditions:
Arginine:glycine amidinotransferase deficiency (CCDS3). Also called: Creatine deficiency syndrome due to AGAT deficiency; GATM deficiency; Cerebral creatine deficiency syndrome 3; L-Arginine:Glycine Amidinotransferase (AGAT) Deficiency; AGAT deficiency; L-Arginine:Glycine Amidinotransferase Deficiency. Identifiers: Orphanet 35704, MedGen C2675179, MONDO:0012996, OMIM 612718.

Allele frequency attached by ClinVar (database versions not stated): gnomAD 0.55910 and 0.56383; TOPMed 0.59226; 1000 Genomes Project 30x 0.71705; 1000 Genomes Project 0.71765.

Submissions (3):

ClinGen Cerebral Creatine Deficiency Syndromes Variant Curation Expert Panel, ClinGen
Classification: Benign for Arginine:glycine amidinotransferase deficiency. Last evaluated: 2022-06-06. Review status: reviewed by expert panel. Criteria: ClinGen_CCDS_ACMG_Specifications_GATM_v1.1. Collection method: curation. Allele origin: germline. Inheritance: Autosomal recessive inheritance.
Comment: The NM_001482.3:c.*940C>T variant is a single nucleotide substitution in the 3'UTR of GATM. Because the variant is located in the 3'UTR, it is not expected to alter the amino acid sequence. The highest population minor allele frequency in gnomAD v2.1.1, in a population with >2000 alleles, is 0.8433 (7330/8692 alleles) in the African population, which is higher than the ClinGen CCDS VCEP’s threshold for BA1 (>0.0005), and therefore meets this criterion (BA1). There is a ClinVar entry for this variant (Variation ID: 316200, 1 star review status) with one submitter classifying the variant as benign. In summary, this variant meets the criteria to be classified as benign for AGAT deficiency based on the ACMG/AMP criteria applied, as specified by the ClinGen Cerebral Creatine Deficiency Syndromes Variant Curation Expert Panel (Specifications Version 1.0, ; classification approved June 6, 2022): BA1.

Illumina Laboratory Services, Illumina
Classification: Benign for Arginine:glycine amidinotransferase deficiency. Last evaluated: 2018-01-13. Review status: criteria provided, single submitter. Criteria: ICSL Variant Classification Criteria 13 December 2019. Collection method: clinical testing. Allele origin: germline. Not counted in ClinVar's aggregate classification.
Comment: This variant was observed in the ICSL laboratory as part of a predisposition screen in an ostensibly healthy population. It had not been previously curated by ICSL or reported in the Human Gene Mutation Database (HGMD: prior to June 1st, 2018), and was therefore a candidate for classification through an automated scoring system. Utilizing variant allele frequency, disease prevalence and penetrance estimates, and inheritance mode, an automated score was calculated to assess if this variant is too frequent to cause the disease. Based on the score and internal cut-off values, a variant classified as benign is not then subjected to further curation. The score for this variant resulted in a classification of benign for this disease.

Breakthrough Genomics
Classification: Benign. Review status: criteria provided, single submitter. Criteria: ACMG Guidelines, 2015. Collection method: not provided. Allele origin: germline. Inheritance: Autosomal recessive inheritance. Affected: yes. Not counted in ClinVar's aggregate classification.

NM_001482.3(GATM):c.*940C>T

Gene: GATM (glycine amidinotransferase; minus strand). Cytogenetic location: 15q21.1.
Variant type: single nucleotide variant.
Coding change: c.*940C>T on transcript NM_001482.3 (MANE Select); 940 bases downstream of the stop codon, C replaced by T.
Molecular consequence: 3 prime UTR variant.
Genome position (GRCh38, 1-based): chr15:45,361,169, G>A on the plus strand (C>T on the coding strand, the complement: GATM is on the minus strand). VCF-style: chr15-45361169-G-A. GRCh37 (hg19) VCF-style: chr15-45653367-G-A.
Other names: c.*940C>T (NM_001321015.2).
Identifiers: ClinVar variation 316200 (VCV000316200.7), dbSNP rs1049518, ClinGen allele CA10647041.